The following is an entry in ClinVar:

ClinVar aggregate classification (germline): Pathogenic/Likely pathogenic. Review status: criteria provided, multiple submitters, no conflicts (2 of 4 stars). 4 submissions from 4 submitters: Pathogenic (1); Likely pathogenic (1). 2 of the submissions do not count toward it. Last evaluated 2025-05-13.

Conditions:
Hereditary cancer-predisposing syndrome. Also called: Tumor predisposition; Hereditary neoplastic syndrome; Neoplastic Syndromes, Hereditary; Hereditary Cancer Syndrome. Identifiers: Orphanet 140162, MedGen C0027672, MeSH D009386, MONDO:0015356.
Pheochromocytoma/paraganglioma syndrome 5. Also called: Paragangliomas 5; SDHA-Related Hereditary Paraganglioma-Pheochromocytoma Syndrome. Identifiers: Orphanet 29072, MedGen C3279992, MONDO:0013602, OMIM 614165.
Mitochondrial complex II deficiency, nuclear type 1. Also called: SUCCINATE CoQ REDUCTASE DEFICIENCY. Identifiers: Orphanet 3208, MedGen C5700310, MONDO:0100294, OMIM 252011.

Allele frequency attached by ClinVar (database versions not stated): gnomAD exomes below 0.00001.

Submissions (4):

Ambry Genetics
Classification: Likely pathogenic for Hereditary cancer-predisposing syndrome. Last evaluated: 2025-05-13. Review status: criteria provided, single submitter. Criteria: Ambry Variant Classification Scheme 2023. Collection method: clinical testing. Allele origin: germline.
Comment: The c.64-2A>G intronic variant results from an A to G substitution two nucleotides upstream from coding exon 2 in the SDHA gene. This variant was detected in the homozygous state in an individual with a multisystem mitochondrial disease; muscle biopsy and cultured fibroblasts from this individual showed reduced Complex II activity (Renkema GH et al. Eur J Hum Genet, 2015 Feb;23:202-9). This nucleotide position is highly conserved in available vertebrate species. In silico splice site analysis predicts that this alteration will weaken the native splice acceptor site and will result in the creation or strengthening of a novel splice acceptor site. RNA studies have demonstrated that this alteration results in two abnormal transcripts (Renkema GH et al. Eur J Hum Genet, 2015 Feb;23:202-9; Ambry internal data). In addition, this variant is considered to be rare based on population cohorts in the Genome Aggregation Database (gnomAD). Based on the majority of available evidence to date, this variant is likely to be pathogenic.

Labcorp Genetics (formerly Invitae), Labcorp
Classification: Pathogenic for Pheochromocytoma/paraganglioma syndrome 5; Mitochondrial complex II deficiency, nuclear type 1. Last evaluated: 2025-01-17. Review status: criteria provided, single submitter. Criteria: Invitae Variant Classification Sherloc (09022015). Collection method: clinical testing. Allele origin: germline.
Comment: This sequence change affects an acceptor splice site in intron 1 of the SDHA gene. It is expected to disrupt RNA splicing. Variants that disrupt the donor or acceptor splice site typically lead to a loss of protein function (PMID: 16199547), and loss-of-function variants in SDHA are known to be pathogenic (PMID: 22974104, 24781757). This variant is not present in population databases (gnomAD no frequency). Disruption of this splice site has been observed in individual(s) with mitochondrial complex II deficiency (PMID: 24781757). ClinVar contains an entry for this variant (Variation ID: 835516). Studies have shown that disruption of this splice site is associated with altered splicing resulting in altered splicing resulting in multiple RNA products (PMID: 24781757; internal data). For these reasons, this variant has been classified as Pathogenic.

Diagnostic Laboratory, Department of Genetics, University Medical Center Groningen
Classification: Pathogenic. Review status: no assertion criteria provided. Collection method: clinical testing. Allele origin: germline. Affected: yes. Study: VKGL Data-share Consensus. Not counted in ClinVar's aggregate classification.

Joint Genome Diagnostic Labs from Nijmegen and Maastricht, Radboudumc and MUMC+
Classification: Pathogenic. Review status: no assertion criteria provided. Collection method: clinical testing. Allele origin: germline. Affected: yes. Study: VKGL Data-share Consensus. Not counted in ClinVar's aggregate classification.

Literature cited by the submitters: PubMed 24781757 (cited by Ambry Genetics and Labcorp Genetics (formerly Invitae), Labcorp); PubMed 16199547 (cited by Labcorp Genetics (formerly Invitae), Labcorp); PubMed 22974104 (cited by Labcorp Genetics (formerly Invitae), Labcorp).

NM_004168.4(SDHA):c.64-2A>G

Gene: SDHA (succinate dehydrogenase complex flavoprotein subunit A; plus strand). Cytogenetic location: 5p15.33.
Variant type: single nucleotide variant.
Coding change: c.64-2A>G on transcript NM_004168.4 (MANE Select); the canonical splice acceptor site of the intron before coding-DNA position 64, A replaced by G.
Molecular consequence: splice acceptor variant.
Genome position (GRCh38, 1-based): chr5:223,480, A>G. VCF-style: chr5-223480-A-G. GRCh37 (hg19) VCF-style: chr5-223595-A-G.
Other names: c.64-2A>G (NM_001330758.2, NM_001294332.2).
Identifiers: ClinVar variation 835516 (VCV000835516.16), dbSNP rs762456298, ClinGen allele CA359008053.